The following is an entry in ClinVar:

NM_006361.6(HOXB13):c.273A>T (p.Arg91=)

Gene: HOXB13 (homeobox B13; minus strand). Cytogenetic location: 17q21.32.
Variant type: single nucleotide variant.
Coding change: c.273A>T on transcript NM_006361.6 (MANE Select); coding-DNA position 273, A replaced by T.
Protein change: p.Arg91=; no amino-acid change (arginine 91 retained).
Molecular consequence: synonymous variant.
Genome position (GRCh38, 1-based): chr17:48,728,321, T>A on the plus strand (A>T on the coding strand, the complement: HOXB13 is on the minus strand). VCF-style: chr17-48728321-T-A. GRCh37 (hg19) VCF-style: chr17-46805683-T-A.
Identifiers: ClinVar variation 934029 (VCV000934029.11), dbSNP rs2038236859, ClinGen allele CA500661971.

ClinVar aggregate classification (germline): Benign/Likely benign. Review status: criteria provided, multiple submitters, no conflicts (2 of 4 stars). 3 submissions from 3 submitters: Benign (1); Likely benign (2). Last evaluated 2026-08-02.

Conditions:
Prostate cancer, hereditary, 9 (HPC9). Identifiers: Orphanet 1331, MedGen C1970250, MONDO:0012597, OMIM 610997.
Hereditary cancer-predisposing syndrome. Also called: Neoplastic Syndromes, Hereditary; Hereditary Cancer Syndrome; Tumor predisposition; Hereditary neoplastic syndrome. Identifiers: Orphanet 140162, MedGen C0027672, MeSH D009386, MONDO:0015356.

Submissions (3):

Ambry Genetics
Classification: Likely benign for Hereditary cancer-predisposing syndrome. Last evaluated: 2026-08-02. Review status: criteria provided, single submitter. Criteria: Ambry Variant Classification Scheme 2023. Collection method: clinical testing. Allele origin: germline.

Myriad Genetics, Inc.
Classification: Benign for Prostate cancer, hereditary, 9. Last evaluated: 2024-10-29. Review status: criteria provided, single submitter. Criteria: Myriad Autosomal Dominant, Autosomal Recessive and X-Linked Classification Criteria (2023). Collection method: clinical testing. Allele origin: unknown.
Comment: This variant is considered benign. This variant is a silent/synonymous amino acid change and it is not expected to impact splicing.

Labcorp Genetics (formerly Invitae), Labcorp
Classification: Likely benign. Last evaluated: 2024-04-25. Review status: criteria provided, single submitter. Criteria: Invitae Variant Classification Sherloc (09022015). Collection method: clinical testing. Allele origin: germline.